The following is an entry in ClinVar:

ClinVar aggregate classification (germline): Uncertain significance (1 of 4 stars; one submission).

Conditions:
Epileptic encephalopathy. Identifiers: MedGen C0543888, HP:0200134.

Submission:

Labcorp Genetics (formerly Invitae), Labcorp
Classification: Uncertain significance for Epileptic encephalopathy. Last evaluated: 2019-10-31. Review status: criteria provided, single submitter. Criteria: Invitae Variant Classification Sherloc (09022015). Collection method: clinical testing. Allele origin: germline.
Comment: This variant is not present in population databases (ExAC no frequency). This sequence change replaces alanine with glycine at codon 1076 of the FASN protein (p.Ala1076Gly). The alanine residue is weakly conserved and there is a small physicochemical difference between alanine and glycine. This variant has not been reported in the literature in individuals with FASN-related conditions. In summary, the available evidence is currently insufficient to determine the role of this variant in disease. Therefore, it has been classified as a Variant of Uncertain Significance. Algorithms developed to predict the effect of sequence changes on RNA splicing suggest that this variant may create or strengthen a splice site, but this prediction has not been confirmed by published transcriptional studies. Algorithms developed to predict the effect of missense changes on protein structure and function are either unavailable or do not agree on the potential impact of this missense change (SIFT: "Deleterious"; PolyPhen-2: "Benign"; Align-GVGD: "Class C0").

NM_004104.5(FASN):c.3227C>G (p.Ala1076Gly)

Gene: FASN (fatty acid synthase; minus strand). Cytogenetic location: 17q25.3.
Variant type: single nucleotide variant.
Coding change: c.3227C>G on transcript NM_004104.5 (MANE Select); coding-DNA position 3227, C replaced by G.
Protein change: p.Ala1076Gly; replaces alanine 1076 with glycine.
Molecular consequence: missense variant.
Genome position (GRCh38, 1-based): chr17:82,087,250, G>C on the plus strand (C>G on the coding strand, the complement: FASN is on the minus strand). VCF-style: chr17-82087250-G-C. GRCh37 (hg19) VCF-style: chr17-80045126-G-C.
Other names: short protein forms A1076G.
Identifiers: ClinVar variation 963247 (VCV000963247.9), dbSNP rs754514615, ClinGen allele CA401553517.